The following is an entry in ClinVar:

ClinVar aggregate classification (germline): Pathogenic. Review status: reviewed by expert panel (3 of 4 stars). 2 submissions from 2 submitters: Pathogenic (1). 1 of the submissions does not count toward it. Last evaluated 2016-10-18.

Conditions:
Breast-ovarian cancer, familial, susceptibility to, 2 (BROVCA2). Also called: BRCA2 Hereditary Breast and Ovarian Cancer. Identifiers: Orphanet 145, MedGen C2675520, MONDO:0012933, OMIM 612555. Disease mechanism: loss of function.

Submissions (2):

Evidence-based Network for the Interpretation of Germline Mutant Alleles (ENIGMA)
Classification: Pathogenic for Breast-ovarian cancer, familial, susceptibility to, 2. Last evaluated: 2016-10-18. Review status: reviewed by expert panel. Criteria: ENIGMA BRCA1/2 Classification Criteria (2015). Collection method: curation. Allele origin: germline.
Comment: Variant allele predicted to encode a truncated non-functional protein.

Consortium of Investigators of Modifiers of BRCA1/2 (CIMBA), c/o University of Cambridge
Classification: Pathogenic for Breast-ovarian cancer, familial, susceptibility to, 2. Last evaluated: 2015-10-02. Review status: criteria provided, single submitter. Criteria: CIMBA Mutation Classification guidelines May 2016. Collection method: clinical testing. Allele origin: germline. Not counted in ClinVar's aggregate classification.

NM_000059.4(BRCA2):c.1454del (p.Lys485fs)

Gene: BRCA2 (BRCA2 DNA repair associated; plus strand). Cytogenetic location: 13q13.1.
Variant type: Deletion.
Coding change: c.1454del on transcript NM_000059.4 (MANE Select); coding-DNA position 1454, one base deleted (A; older notation c.1454delA).
Protein change: p.Lys485fs; shifts the reading frame from lysine 485.
Molecular consequence: frameshift variant.
Genome position (GRCh38, 1-based): chr13:32,332,932, A deleted; the last of 3 consecutive A bases (chr13:32,332,930-32,332,932); deleting any one gives the same sequence. VCF-style (leftmost placement, unchanged base first): chr13-32332929-TA-T. GRCh37 (hg19) VCF-style: chr13-32907066-TA-T.
Other names: 1682delA; short protein forms K485fs.
Identifiers: ClinVar variation 266637 (VCV000266637.5), dbSNP rs886040367, ClinGen allele CA10589096.